The following is an entry in ClinVar:

ClinVar aggregate classification (germline): Likely benign. Review status: criteria provided, multiple submitters, no conflicts (2 of 4 stars). 4 submissions from 4 submitters: Likely benign (4). Last evaluated 2026-01-18.

Conditions:
Cardiomyopathy (CMYO). Also called: Cardiomyopathies. Identifiers: Orphanet 167848, MedGen C0878544, MONDO:0004994, HP:0001638. Inheritance: Various modes of inheritance.
Hypertrophic cardiomyopathy. Also called: HYPERTROPHIC MYOCARDIOPATHY. Identifiers: Orphanet 217569, MedGen C0007194, MeSH D002312, MONDO:0005045, HP:0001639.

Allele frequency attached by ClinVar (database versions not stated): gnomAD exomes 0.00002.
gnomAD v4.1: 12 of 1,613,090 alleles (0.00074%); highest among the groups gnomAD compares: Admixed American, 0.018%; no homozygotes.

Submissions (4):

Labcorp Genetics (formerly Invitae), Labcorp
Classification: Likely benign for Hypertrophic cardiomyopathy. Last evaluated: 2026-01-18. Review status: criteria provided, single submitter. Criteria: Invitae Variant Classification Sherloc (09022015). Collection method: clinical testing. Allele origin: germline.

All of Us Research Program, National Institutes of Health
Classification: Likely benign for Cardiomyopathy. Last evaluated: 2024-02-05. Review status: criteria provided, single submitter. Criteria: ACMG Guidelines, 2015. Collection method: clinical testing. Allele origin: germline. Inheritance: Autosomal dominant inheritance. Observed: 7 variant alleles, 7 heterozygotes.
Comment: This study involves interpretation of variants in research participants for the purpose of population health screening. Participant phenotype was not available at the time of variant classification. Additional details can be found in publication PMID: 35346344, PMCID: PMC8962531

Color Diagnostics, LLC DBA Color Health
Classification: Likely benign for Cardiomyopathy. Last evaluated: 2023-03-29. Review status: criteria provided, single submitter. Criteria: ACMG Guidelines, 2015. Collection method: clinical testing. Allele origin: germline.

Laboratory for Molecular Medicine, Mass General Brigham Personalized Medicine
Classification: Likely benign. Last evaluated: 2012-09-21. Review status: criteria provided, single submitter. Criteria: LMM Criteria. Collection method: clinical testing. Allele origin: germline. Observed: 1 variant allele.
Comment: Val1404Val in exon 31 of MYH7: This variant is not expected to have clinical sig nificance because it does not alter an amino acid residue and is not located wit hin the splice consensus sequence. Val1404Val in exon 31 of MYH7 (allele frequ ency = n/a)

NM_000257.4(MYH7):c.4212G>T (p.Val1404=)

Gene: MYH7 (myosin heavy chain 7; minus strand). Cytogenetic location: 14q11.2.
Variant type: single nucleotide variant.
Coding change: c.4212G>T on transcript NM_000257.4 (MANE Select); coding-DNA position 4212, G replaced by T.
Protein change: p.Val1404=; no amino-acid change (valine 1404 retained).
Molecular consequence: synonymous variant.
Genome position (GRCh38, 1-based): chr14:23,417,644, C>A on the plus strand (G>T on the coding strand, the complement: MYH7 is on the minus strand). VCF-style: chr14-23417644-C-A. GRCh37 (hg19) VCF-style: chr14-23886853-C-A.
Identifiers: ClinVar variation 43000 (VCV000043000.16), dbSNP rs397516205, ClinGen allele CA014656.